The following is an entry in ClinVar:

NM_001844.5(COL2A1):c.734C>T (p.Pro245Leu)

Gene: COL2A1 (collagen type II alpha 1 chain; minus strand). Cytogenetic location: 12q13.11.
Variant type: single nucleotide variant.
Coding change: c.734C>T on transcript NM_001844.5 (MANE Select); coding-DNA position 734, C replaced by T.
Protein change: p.Pro245Leu; replaces proline 245 with leucine.
Molecular consequence: missense variant.
Genome position (GRCh38, 1-based): chr12:47,995,283, G>A on the plus strand (C>T on the coding strand, the complement: COL2A1 is on the minus strand). VCF-style: chr12-47995283-G-A. GRCh37 (hg19) VCF-style: chr12-48389066-G-A.
Other names: c.527C>T, p.Pro176Leu (NM_033150.3); short protein forms P176L, P245L.
Identifiers: ClinVar variation 684434 (VCV000684434.2), dbSNP rs1592232018, ClinGen allele CA384523307.

ClinVar aggregate classification (germline): Likely benign (0 of 4 stars; one submission).

Conditions:
Achondrogenesis type II (ACG2). Also called: ACHONDROGENESIS, LANGER-SALDINO TYPE; CHONDROGENESIS IMPERFECTA. Identifiers: Orphanet 932, Orphanet 93296, MedGen C0220685, MONDO:0008702, OMIM 200610.

Submission:

MVZ Praenatalmedizin und Genetik Nuernberg
Classification: Likely benign for Achondrogenesis type II. Last evaluated: 2019-05-31. Review status: no assertion criteria provided. Collection method: clinical testing. Allele origin: germline. Inheritance: Autosomal dominant inheritance. Affected: no. Observed: 1 heterozygote.
Comment: This variant was not listed in the databases (ClinVar, LOVD). GnomAD shows no entry (very rare or private variant). In silico analyses show contradictory results.